The following is an entry in ClinVar:

NM_000128.4(F11):c.1494del (p.Ile499fs)

Genes: F11 (coagulation factor XI; plus strand), F11-AS1 (F11 antisense RNA 1; minus strand). Cytogenetic location: 4q35.2.
Variant type: Deletion.
Coding change: c.1494del on transcript NM_000128.4 (MANE Select); coding-DNA position 1494, one base deleted (C; older notation c.1494delC).
Protein change: p.Ile499fs; shifts the reading frame from isoleucine 499.
Molecular consequence: frameshift variant. On other transcripts: intron variant (4).
Genome position (GRCh38, 1-based): chr4:186,286,428, C deleted; the last of 3 consecutive C bases (chr4:186,286,426-186,286,428); deleting any one gives the same sequence. VCF-style (leftmost placement, unchanged base first): chr4-186286425-AC-A. GRCh37 (hg19) VCF-style: chr4-187207579-AC-A.
Other names: c.1446del, p.Ile483fs (NM_001440590.1); c.1224del, p.Ile409fs (NM_001440605.1); c.1176del, p.Ile393fs (NM_001440606.1); c.1480+615del (NM_001440593.1); c.1432+615del (NM_001440596.1); c.1210+615del (NM_001440607.1); c.1162+615del (NM_001440608.1); short protein forms I499fs, I393fs, I409fs, I483fs.
Identifiers: ClinVar variation 5014287 (VCV005014287.1).

ClinVar aggregate classification (germline): Pathogenic (1 of 4 stars; one submission).

Conditions:
Hereditary factor XI deficiency disease. Also called: PLASMA THROMBOPLASTIN ANTECEDENT DEFICIENCY; PTA DEFICIENCY; ROSENTHAL SYNDROME; Congenital factor XI deficiency. Identifiers: Orphanet 329, MedGen C0015523, MeSH D005173, MONDO:0012897, OMIM 612416.

Submission:

Myriad Genetics, Inc.
Classification: Pathogenic for Hereditary factor XI deficiency disease. Last evaluated: 2024-05-14. Review status: criteria provided, single submitter. Criteria: Myriad Autosomal Dominant, Autosomal Recessive and X-Linked Classification Criteria (2023). Collection method: clinical testing. Allele origin: unknown.
Comment: NM_000128.3(F11):c.1494delC(I499Yfs*11) is expected to be pathogenic in the context of factor XI deficiency. This variant is predicted to lead to an abnormal or absent protein product due to the creation of a premature termination codon in F11, a gene where loss-of-function variants are known to be pathogenic. Please note: this variant was assessed in the context of healthy population screening.